The following is an entry in ClinVar:

NM_006766.5(KAT6A):c.2633G>A (p.Arg878His)

Gene: KAT6A (lysine acetyltransferase 6A; minus strand). Cytogenetic location: 8p11.21.
Variant type: single nucleotide variant.
Coding change: c.2633G>A on transcript NM_006766.5 (MANE Select); coding-DNA position 2633, G replaced by A.
Protein change: p.Arg878His; replaces arginine 878 with histidine.
Molecular consequence: missense variant.
Genome position (GRCh38, 1-based): chr8:41,941,248, C>T on the plus strand (G>A on the coding strand, the complement: KAT6A is on the minus strand). VCF-style: chr8-41941248-C-T. GRCh37 (hg19) VCF-style: chr8-41798766-C-T.
Other names: c.2633G>A (NM_006766.4); short protein forms R878H.
Identifiers: ClinVar variation 1198352 (VCV001198352.10), dbSNP rs139942484, ClinGen allele CA4729865.

ClinVar aggregate classification (germline): Conflicting classifications of pathogenicity. Review status: criteria provided, conflicting classifications (1 of 4 stars). 4 submissions from 4 submitters: Uncertain significance (1); Likely benign (3). Last evaluated 2025-12-24.

Conditions:
KAT6A-related disorder. Also called: KAT6A-related condition.
Inborn genetic diseases. Identifiers: MedGen C0950123, MeSH D030342.

Allele frequency attached by ClinVar (database versions not stated): ExAC 0.00002; gnomAD exomes 0.00003 and 0.00004; gnomAD 0.00007 and 0.00010; ESP Exome Variant Server 0.00015; TOPMed 0.00019.
gnomAD v4.1: 72 of 1,614,022 alleles (0.0045%); highest among the groups gnomAD compares: Admixed American, 0.015%; no homozygotes.

Submissions (4):

Labcorp Genetics (formerly Invitae), Labcorp
Classification: Likely benign. Last evaluated: 2025-12-24. Review status: criteria provided, single submitter. Criteria: Invitae Variant Classification Sherloc (09022015). Collection method: clinical testing. Allele origin: germline.

PreventionGenetics, part of Exact Sciences
Classification: Likely benign for KAT6A-related condition. Last evaluated: 2025-03-07. Review status: criteria provided, single submitter. Criteria: ACMG Guidelines, 2015. Collection method: clinical testing. Allele origin: germline.
Comment: This variant is classified as likely benign based on ACMG/AMP sequence variant interpretation guidelines (Richards et al. 2015 PMID: 25741868, with internal and published modifications).

GeneDx
Classification: Likely benign. Last evaluated: 2020-05-27. Review status: criteria provided, single submitter. Criteria: GeneDx Variant Classification Process June 2021. Collection method: clinical testing. Allele origin: germline. Affected: yes.

Ambry Genetics
Classification: Uncertain significance for Inborn genetic diseases. Last evaluated: 2018-05-02. Review status: criteria provided, single submitter. Criteria: Ambry Variant Classification Scheme 2023. Collection method: clinical testing. Allele origin: germline.
Comment: The p.R878H variant (also known as c.2633G>A), located in coding exon 14 of the KAT6A gene, results from a G to A substitution at nucleotide position 2633. The arginine at codon 878 is replaced by histidine, an amino acid with highly similar properties. This amino acid position is not well conserved in available vertebrate species. In addition, this alteration is predicted to be tolerated by in silico analysis. Since supporting evidence is limited at this time, the clinical significance of this alteration remains unclear.